The following is an entry in ClinVar:

ClinVar aggregate classification (germline): Conflicting classifications of pathogenicity. Review status: criteria provided, conflicting classifications (1 of 4 stars). 13 submissions from 13 submitters: Uncertain significance (3); Likely benign (7). 3 of the submissions do not count toward it. Last evaluated 2026-05-07.

Conditions:
Inherited ovarian cancer (without breast cancer).
Hereditary cancer-predisposing syndrome. Also called: Tumor predisposition; Hereditary neoplastic syndrome; Hereditary Cancer Syndrome; Neoplastic Syndromes, Hereditary. Identifiers: Orphanet 140162, MedGen C0027672, MeSH D009386, MONDO:0015356.
Hereditary breast ovarian cancer syndrome. Also called: Hereditary breast and ovarian cancer syndrome; Breast and ovarian cancer; BRCA1- and BRCA2-Associated Hereditary Breast and Ovarian Cancer; Hereditary breast and/or ovarian cancer syndrome; Hereditary breast and ovarian cancer; Hereditary breast and ovarian cancer syndrome (HBOC). Identifiers: Orphanet 145, MedGen C0677776, MeSH D061325, MONDO:0003582. Disease mechanism: loss of function.
Breast-ovarian cancer, familial, susceptibility to, 2 (BROVCA2). Also called: BRCA2 Hereditary Breast and Ovarian Cancer. Identifiers: Orphanet 145, MedGen C2675520, MONDO:0012933, OMIM 612555. Disease mechanism: loss of function.

Allele frequency attached by ClinVar (database versions not stated): gnomAD 0.00001; TOPMed 0.00001; gnomAD exomes 0.00002.

Submissions (13):

Cambridge Genomics Laboratory, East Genomic Laboratory Hub, NHS Genomic Medicine Service
Classification: Likely benign for Inherited ovarian cancer (without breast cancer). Last evaluated: 2026-05-07. Review status: criteria provided, single submitter. Criteria: ACGS Best Practice Guidelines for Variant Classification in Rare Disease 2020. Collection method: clinical testing. Allele origin: germline. Affected: yes.
Comment: BP1_Strong,BP4

Labcorp Genetics (formerly Invitae), Labcorp
Classification: Likely benign for Hereditary breast ovarian cancer syndrome. Last evaluated: 2025-12-02. Review status: criteria provided, single submitter. Criteria: Invitae Variant Classification Sherloc (09022015). Collection method: clinical testing. Allele origin: germline.

Quest Diagnostics Nichols Institute San Juan Capistrano
Classification: Uncertain significance. Last evaluated: 2024-09-12. Review status: criteria provided, single submitter. Criteria: Quest Diagnostics criteria. Collection method: clinical testing. Allele origin: unknown.
Comment: The BRCA2 c.3453C>G (p.Ile1151Met) variant has been reported in the published literature in individuals with breast and/or ovarian cancer (PMIDs: 27062684 (2016), 27878467 (2016), 33471991 (2021) see also LOVD) and prostate cancer (PMID: 21952622 (2011), as well as in a reportedly healthy individual (PMID: 32467295 (2020)). This variant has not been reported in large, multi-ethnic general populations (Genome Aggregation Database). However, it was reported in one cancer-free individual over the age of 70 (FLOSSIES). Analysis of this variant using bioinformatics tools for the prediction of the effect of amino acid changes on protein structure and function yielded predictions that this variant is benign. Based on the available information, we are unable to determine the clinical significance of this variant.

All of Us Research Program, National Institutes of Health
Classification: Likely benign for Breast-ovarian cancer, familial, susceptibility to, 2. Last evaluated: 2023-07-10. Review status: criteria provided, single submitter. Criteria: ACMG Guidelines, 2015. Collection method: clinical testing. Allele origin: germline. Inheritance: Autosomal dominant inheritance. Observed: 3 variant alleles, 3 heterozygotes.
Comment: This study involves interpretation of variants in research participants for the purpose of population health screening. Participant phenotype was not available at the time of variant classification. Additional details can be found in publication PMID: 35346344, PMCID: PMC8962531

University of Washington Department of Laboratory Medicine, University of Washington
Classification: Likely benign for Hereditary cancer-predisposing syndrome. Last evaluated: 2023-03-23. Review status: criteria provided, single submitter. Criteria: Dines et al. (Genet Med. 2020). Collection method: curation. Allele origin: germline.
Comment: Missense variant in a coldspot region where missense variants are very unlikely to be pathogenic (PMID:31911673).

BRCA2 exon 11 coldspot. Reclassification based on statistical prior probability.

Women's Health and Genetics/Laboratory Corporation of America, LabCorp
Classification: Uncertain significance. Last evaluated: 2023-01-03. Review status: criteria provided, single submitter. Criteria: LabCorp Variant Classification Summary - May 2015. Collection method: clinical testing. Allele origin: germline.
Comment: Variant summary: BRCA2 c.3453C>G (p.Ile1151Met) results in a conservative amino acid change in the encoded protein sequence. Four of five in-silico tools predict a benign effect of the variant on protein function. The variant was absent in 250978 control chromosomes. These report(s) do not provide unequivocal conclusions about association of the variant with Hereditary Breast And Ovarian Cancer Syndrome. Co-occurrences with another pathogenic variant have been reported (BRCA2 c.4470dupA, p.Leu1491Thr fs*23), providing supporting evidence for a benign role. To our knowledge, no experimental evidence demonstrating an impact on protein function has been reported. Seven clinical diagnostic laboratories have submitted clinical-significance assessments for this variant to ClinVar after 2014 without evidence for independent evaluation. Multiple laboratories classified the variant as VUS (n=3) or likely benign (n=4). Based on the evidence outlined above, the variant was classified as uncertain significance - possibly benign.

Sema4
Classification: Uncertain significance for Hereditary cancer-predisposing syndrome. Last evaluated: 2021-12-07. Review status: criteria provided, single submitter. Criteria: Sema4 Curation Guidelines. Collection method: curation. Allele origin: germline.
Comment: The BRCA2 c.3453C>G (p.I1151M) variant has been reported in heterozygosity in at least three individuals with breast and/or ovarian cancer and one individual with prostate cancer (PMID: 27878467, 27062684, 33471991, 21952622). It has also been reported as homozygous in the Breast cancer Information Core (PMID: 10923033). It was not observed in the large and broad cohorts of the Genome Aggregation Database. The variant has been reported in ClinVar (Variation ID 37842). Functional studies have not been performed, and in silico predictions of the variant's effect on protein function are inconclusive. The evidence is insufficient to meet ACMG/AMP criteria for classifying the variant as benign or pathogenic. Thus, the clinical significance of this variant is currently uncertain.

GeneDx
Classification: Likely benign. Last evaluated: 2021-03-02. Review status: criteria provided, single submitter. Criteria: GeneDx Variant Classification Process June 2021. Collection method: clinical testing. Allele origin: germline. Affected: yes.
Comment: This variant is associated with the following publications: (PMID: 10923033, 21952622, 25348012, 27062684, 27878467)

Ambry Genetics
Classification: Likely benign for Hereditary cancer-predisposing syndrome. Last evaluated: 2018-09-29. Review status: criteria provided, single submitter. Criteria: Ambry Variant Classification Scheme 2023. Collection method: clinical testing. Allele origin: germline.

Color Diagnostics, LLC DBA Color Health
Classification: Likely benign for Hereditary cancer-predisposing syndrome. Last evaluated: 2017-08-22. Review status: criteria provided, single submitter. Criteria: ACMG Guidelines, 2015. Collection method: clinical testing. Allele origin: germline.

Counsyl
Classification: Uncertain significance for Breast-ovarian cancer, familial, susceptibility to, 2. Last evaluated: 2015-11-17. Review status: no assertion criteria provided. Collection method: clinical testing. Allele origin: unknown. Not counted in ClinVar's aggregate classification.

Sharing Clinical Reports Project (SCRP)
Classification: Likely benign for Breast-ovarian cancer, familial 2. Last evaluated: 2013-06-04. Review status: no assertion criteria provided. Collection method: clinical testing. Allele origin: germline. Not counted in ClinVar's aggregate classification.

Breast Cancer Information Core (BIC) (BRCA2)
Classification: Uncertain significance for Breast-ovarian cancer, familial 2. Last evaluated: 2002-05-29. Review status: no assertion criteria provided. Collection method: clinical testing. Allele origin: germline. Affected: yes. Observed: 5 variant alleles. Not counted in ClinVar's aggregate classification.

Literature cited by the submitters: PubMed 27062684 (cited by 3 submitters); PubMed 27878467 (cited by 3 submitters); PubMed 21952622 (cited by 5 submitters); PubMed 33471991 (cited by Quest Diagnostics Nichols Institute San Juan Capistrano and Sema4); PubMed 32467295 (cited by Quest Diagnostics Nichols Institute San Juan Capistrano and Women's Health and Genetics/Laboratory Corporation of America, LabCorp); PubMed 25348012 (cited by Women's Health and Genetics/Laboratory Corporation of America, LabCorp and Counsyl); PubMed 10923033 (cited by Sema4).

NM_000059.4(BRCA2):c.3453C>G (p.Ile1151Met)

Gene: BRCA2 (BRCA2 DNA repair associated; plus strand). Cytogenetic location: 13q13.1.
Variant type: single nucleotide variant.
Coding change: c.3453C>G on transcript NM_000059.4 (MANE Select); coding-DNA position 3453, C replaced by G.
Protein change: p.Ile1151Met; replaces isoleucine 1151 with methionine.
Molecular consequence: missense variant.
Genome position (GRCh38, 1-based): chr13:32,337,808, C>G. VCF-style: chr13-32337808-C-G. GRCh37 (hg19) VCF-style: chr13-32911945-C-G.
Other names: p.I1151M:ATC>ATG; 3681C>G; short protein forms I1151M.
Identifiers: ClinVar variation 37842 (VCV000037842.65), dbSNP rs80358592, ClinGen allele CA018084.